The following is an entry in ClinVar:

NM_021942.6(TRAPPC11):c.222G>T (p.Trp74Cys)

Gene: TRAPPC11 (trafficking protein particle complex subunit 11; plus strand). Cytogenetic location: 4q35.1.
Variant type: single nucleotide variant.
Coding change: c.222G>T on transcript NM_021942.6 (MANE Select); coding-DNA position 222, G replaced by T.
Protein change: p.Trp74Cys; replaces tryptophan 74 with cysteine.
Molecular consequence: missense variant.
Genome position (GRCh38, 1-based): chr4:183,666,274, G>T. VCF-style: chr4-183666274-G-T. GRCh37 (hg19) VCF-style: chr4-184587427-G-T.
Other names: c.222G>T, p.Trp74Cys (NM_199053.3); short protein forms W74C.
Identifiers: ClinVar variation 1442095 (VCV001442095.8), dbSNP rs776346354, ClinGen allele CA3151535.

ClinVar aggregate classification (germline): Uncertain significance (1 of 4 stars; one submission).

Conditions:
Autosomal recessive limb-girdle muscular dystrophy type R18 (LGMDR18). Also called: Limb-girdle muscular dystrophy, type 2S; Autosomal recessive limb-girdle muscular dystrophy type 2S; MUSCULAR DYSTROPHY, LIMB-GIRDLE, AUTOSOMAL RECESSIVE 18. Identifiers: Orphanet 369840, MedGen C4517996, MONDO:0014144, OMIM 615356.

Allele frequency attached by ClinVar (database versions not stated): gnomAD exomes below 0.00001; ExAC 0.00001.

Submission:

Labcorp Genetics (formerly Invitae), Labcorp
Classification: Uncertain significance for Autosomal recessive limb-girdle muscular dystrophy type R18. Last evaluated: 2022-07-11. Review status: criteria provided, single submitter. Criteria: Invitae Variant Classification Sherloc (09022015). Collection method: clinical testing. Allele origin: germline.
Comment: In summary, the available evidence is currently insufficient to determine the role of this variant in disease. Therefore, it has been classified as a Variant of Uncertain Significance. This sequence change replaces tryptophan, which is neutral and slightly polar, with cysteine, which is neutral and slightly polar, at codon 74 of the TRAPPC11 protein (p.Trp74Cys). This variant is present in population databases (rs776346354, gnomAD 0.0009%). This variant has not been reported in the literature in individuals affected with TRAPPC11-related conditions. ClinVar contains an entry for this variant (Variation ID: 1442095). Algorithms developed to predict the effect of missense changes on protein structure and function are either unavailable or do not agree on the potential impact of this missense change (SIFT: "Deleterious"; PolyPhen-2: "Possibly Damaging"; Align-GVGD: "Class C0"). Algorithms developed to predict the effect of sequence changes on RNA splicing suggest that this variant may create or strengthen a splice site.